The following is an entry in ClinVar:

NM_001457.4(FLNB):c.7417+2T>A

Genes: FLNB (filamin B; plus strand), FLNB-AS1 (FLNB antisense RNA 1; minus strand). Cytogenetic location: 3p14.3.
Variant type: single nucleotide variant.
Coding change: c.7417+2T>A on transcript NM_001457.4 (MANE Select); the canonical splice donor site of the intron after coding-DNA position 7417, T replaced by A.
Molecular consequence: splice donor variant.
Genome position (GRCh38, 1-based): chr3:58,168,660, T>A. VCF-style: chr3-58168660-T-A. GRCh37 (hg19) VCF-style: chr3-58154387-T-A.
Other names: c.7510+2T>A (NM_001164317.2); c.7384+2T>A (NM_001164318.2); c.7345+2T>A (NM_001164319.2).
Identifiers: ClinVar variation 3391439 (VCV003391439.2).
Genomic context (GRCh38, chr3:58,168,660, plus strand): 5'-CGTCAAATACGGTGGGCCCAACCACATCGTGGGCAGTCCCTTCAAGGCCAAGGTGACAGG[T>A]AACGAACAACCACCTTCGGAGTTACTCTCCCTTCCTGGGGAGCTGGTTGTGTCAGATCAA-3'

ClinVar aggregate classification (germline): Likely pathogenic (1 of 4 stars; one submission).

Conditions:
Spondylocarpotarsal synostosis syndrome (SCT). Also called: Synspondylism congenital; Scoliosis, congenital with unilateral unsegmented bar; Spondylocarpotarsal Synostosis Syndrome (FLNB-SCT); SPONDYLOCARPOTARSAL SYNDROME; VERTEBRAL FUSION WITH CARPAL COALITION. Identifiers: Orphanet 3275, MedGen C1848934, MONDO:0010094, OMIM 272460.

Submission:

Kasturba Medical College, Manipal, Kasturba Medical College, Manipal, Manipal Academy of Higher Education, Manipal, India
Classification: Likely pathogenic for Spondylocarpotarsal synostosis syndrome. Review status: criteria provided, single submitter. Criteria: ACMG Guidelines, 2015. Collection method: research. Allele origin: biparental. Inheritance: Autosomal recessive inheritance. Affected: yes. Observed: 1 heterozygote.
Comment: Both of these variants are absent in the gnomAD (v4.1.0) population database and in our in-house data of 3355 exomes. It is highly likely that this canonical splice site variants result in aberrant splicing and lead to either the formation of a truncated protein product or the transcript may undergo nonsense mediated mRNA decay.